The following is an entry in ClinVar:

Conditions:
Breast-ovarian cancer, familial, susceptibility to, 1 (BROVCA1). Also called: BRCA1 Hereditary Breast and Ovarian Cancer; OVARIAN CANCER, SUSCEPTIBILITY TO. Identifiers: Orphanet 145, MedGen C2676676, MONDO:0011450, OMIM 604370. Disease mechanism: loss of function.

Submission:

Brotman Baty Institute, University of Washington
No classification provided (evidence only). Condition: Breast-ovarian cancer, familial 1. Review status: no classification provided. Collection method: in vitro. Allele origin: not applicable. Functional consequence: functionally_normal.
ClinVar note: "not provided" was previously submitted as the classification for the variant. However, the classification appeared to be based only on an observation of functional data so it was converted to no classification on 2025-07-30.

NM_007294.4(BRCA1):c.5172A>T (p.Lys1724Asn)

Gene: BRCA1 (BRCA1 DNA repair associated; minus strand). Cytogenetic location: 17q21.31.
Variant type: single nucleotide variant.
Coding change: c.5172A>T on transcript NM_007294.4 (MANE Select); coding-DNA position 5172, A replaced by T.
Protein change: p.Lys1724Asn; replaces lysine 1724 with asparagine.
Molecular consequence: missense variant. On other transcripts: non-coding transcript variant (1).
Genome position (GRCh38, 1-based): chr17:43,063,354, T>A on the plus strand (A>T on the coding strand, the complement: BRCA1 is on the minus strand). VCF-style: chr17-43063354-T-A. GRCh37 (hg19) VCF-style: chr17-41215371-T-A.
Other names: c.5025A>T, p.Lys1675Asn (NM_001407842.1, NM_001407843.1, NM_001407844.1 and 12 more transcripts); c.5166A>T, p.Lys1722Asn (NM_001407861.1, NM_001407629.1, NM_001407630.1 and 14 more transcripts); c.4971A>T, p.Lys1657Asn (NM_001407862.1); c.4968A>T, p.Lys1656Asn (NM_001407863.1); c.4965A>T, p.Lys1655Asn (NM_001407874.1, NM_001407875.1); c.4962A>T, p.Lys1654Asn (NM_001407879.1, NM_001407881.1, NM_001407882.1 and 5 more transcripts); c.4959A>T, p.Lys1653Asn (NM_001407900.1, NM_001407902.1, NM_001407904.1 and 12 more transcripts); c.4956A>T, p.Lys1652Asn (NM_001407915.1, NM_001407916.1, NM_001407917.1 and 1 more transcripts); and 72 more; short protein forms K1724N, K1745N, K1677N, K620N, K1570N, K1595N, K1635N, K1636N.
Identifiers: ClinVar variation 867765 (VCV000867765.3), dbSNP rs879254150, ClinGen allele CA10591200.
Genomic context (GRCh38, chr17:43,063,354, plus strand): 5'-ATGAATATCTCTGGTTAGTTTGTAACATCAAGTACTTACCTCATTCAGCATTTTTCTTTC[T>A]TTAATAGACTGGGTCACCCCTAAAGAGATCATAGAAAAGACAGGTTACATACAGCAGAAG-3'
Protein context (NP_009225.1, residues 1714-1734): VSYFWVTQSI[Lys1724Asn]ERKMLNEHDF